The following is an entry in ClinVar:

ClinVar aggregate classification (germline): Uncertain significance (1 of 4 stars; one submission).

Conditions:
Cortical dysplasia-focal epilepsy syndrome (PTHSL1). Also called: Pitt-Hopkins-like syndrome 1. Identifiers: Orphanet 163681, Orphanet 221150, MedGen C2750246, MONDO:0012400, OMIM 610042.

Allele frequency attached by ClinVar (database versions not stated): TOPMed below 0.00001; gnomAD 0.00001.
gnomAD v4.1: 5 of 1,613,904 alleles (0.00031%); highest among the groups gnomAD compares: Admixed American, 0.0017%; no homozygotes.

Submission:

Labcorp Genetics (formerly Invitae), Labcorp
Classification: Uncertain significance for Cortical dysplasia-focal epilepsy syndrome. Last evaluated: 2022-06-27. Review status: criteria provided, single submitter. Criteria: Invitae Variant Classification Sherloc (09022015). Collection method: clinical testing. Allele origin: germline.
Comment: This sequence change replaces serine, which is neutral and polar, with cysteine, which is neutral and slightly polar, at codon 182 of the CNTNAP2 protein (p.Ser182Cys). In summary, the available evidence is currently insufficient to determine the role of this variant in disease. Therefore, it has been classified as a Variant of Uncertain Significance. Algorithms developed to predict the effect of missense changes on protein structure and function are either unavailable or do not agree on the potential impact of this missense change (SIFT: "Deleterious"; PolyPhen-2: "Possibly Damaging"; Align-GVGD: "Class C0"). This variant has not been reported in the literature in individuals affected with CNTNAP2-related conditions. This variant is not present in population databases (gnomAD no frequency).

NM_014141.6(CNTNAP2):c.545C>G (p.Ser182Cys)

Gene: CNTNAP2 (contactin associated protein 2; plus strand). Cytogenetic location: 7q35.
Variant type: single nucleotide variant.
Coding change: c.545C>G on transcript NM_014141.6 (MANE Select); coding-DNA position 545, C replaced by G.
Protein change: p.Ser182Cys; replaces serine 182 with cysteine.
Molecular consequence: missense variant.
Genome position (GRCh38, 1-based): chr7:147,044,049, C>G. VCF-style: chr7-147044049-C-G. GRCh37 (hg19) VCF-style: chr7-146741141-C-G.
Other names: short protein forms S182C.
Identifiers: ClinVar variation 1498795 (VCV001498795.6), dbSNP rs1799308531, ClinGen allele CA369923683.